The following is an entry in ClinVar:

NM_000260.4(MYO7A):c.5462T>G (p.Leu1821Arg)

Gene: MYO7A (myosin VIIA; plus strand). Cytogenetic location: 11q13.5.
Variant type: single nucleotide variant.
Coding change: c.5462T>G on transcript NM_000260.4 (MANE Select); coding-DNA position 5462, T replaced by G.
Protein change: p.Leu1821Arg; replaces leucine 1821 with arginine.
Molecular consequence: missense variant.
Genome position (GRCh38, 1-based): chr11:77,204,211, T>G. VCF-style: chr11-77204211-T-G. GRCh37 (hg19) VCF-style: chr11-76915256-T-G.
Other names: c.5348T>G, p.Leu1783Arg (NM_001127180.2); c.5315T>G, p.Leu1772Arg (NM_001369365.1); short protein forms L1772R, L1783R, L1821R.
Identifiers: ClinVar variation 1359692 (VCV001359692.8), dbSNP rs746068365, ClinGen allele CA381952782.

ClinVar aggregate classification (germline): Uncertain significance (1 of 4 stars; one submission).

Submission:

Labcorp Genetics (formerly Invitae), Labcorp
Classification: Uncertain significance. Last evaluated: 2021-06-07. Review status: criteria provided, single submitter. Criteria: Invitae Variant Classification Sherloc (09022015). Collection method: clinical testing. Allele origin: germline.
Comment: In summary, the available evidence is currently insufficient to determine the role of this variant in disease. Therefore, it has been classified as a Variant of Uncertain Significance. Advanced modeling of protein sequence and biophysical properties (such as structural, functional, and spatial information, amino acid conservation, physicochemical variation, residue mobility, and thermodynamic stability) performed at Invitae indicates that this missense variant is expected to disrupt MYO7A protein function. This variant has not been reported in the literature in individuals with MYO7A-related conditions. This variant is not present in population databases (ExAC no frequency). This sequence change replaces leucine with arginine at codon 1821 of the MYO7A protein (p.Leu1821Arg). The leucine residue is highly conserved and there is a moderate physicochemical difference between leucine and arginine.